The following is an entry in ClinVar:

NM_014391.3(ANKRD1):c.207+239G>T

Gene: ANKRD1 (ankyrin repeat domain 1; minus strand). Cytogenetic location: 10q23.31.
Variant type: single nucleotide variant.
Coding change: c.207+239G>T on transcript NM_014391.3 (MANE Select); 239 bases into the intron after coding-DNA position 207, G replaced by T.
Molecular consequence: intron variant.
Genome position (GRCh38, 1-based): chr10:90,919,930, C>A on the plus strand (G>T on the coding strand, the complement: ANKRD1 is on the minus strand). VCF-style: chr10-90919930-C-A. GRCh37 (hg19) VCF-style: chr10-92679687-C-A.
Identifiers: ClinVar variation 678649 (VCV000678649.1), dbSNP rs10509614, ClinGen allele CA211425395.

ClinVar aggregate classification (germline): Likely benign (1 of 4 stars; one submission).

Allele frequency attached by ClinVar (database versions not stated): gnomAD 0.02797 and 0.02953; TOPMed 0.02975; 1000 Genomes Project 0.03055; 1000 Genomes Project 30x 0.03201.
gnomAD v4.1: 4,527 of 152,324 alleles (3%); highest among the groups gnomAD compares: Middle Eastern, 9.9%; 88 homozygotes.

Submission:

GeneDx
Classification: Likely benign. Last evaluated: 2018-06-14. Review status: criteria provided, single submitter. Criteria: GeneDx Variant Classification (06012015). Collection method: clinical testing. Allele origin: germline. Affected: yes.
Comment: This variant is considered likely benign or benign based on one or more of the following criteria: it is a conservative change, it occurs at a poorly conserved position in the protein, it is predicted to be benign by multiple in silico algorithms, and/or has population frequency not consistent with disease.